The following is an entry in ClinVar:

NM_001378615.1(CC2D2A):c.3447TGT[1] (p.Val1151del)

Genes: CC2D2A (coiled-coil and C2 domain containing 2A; plus strand), FBXL5 (F-box and leucine rich repeat protein 5; minus strand). Cytogenetic location: 4p15.32.
Variant type: Microsatellite.
Coding change: c.3447TGT[1] on transcript NM_001378615.1 (MANE Select); one copy of the 3-base unit TGT starting at c.3447; the reference has two copies in a row; one copy, 3 bases deleted.
Protein change: p.Val1151del; deletes valine 1151.
Genome position (GRCh38, 1-based): chr4:15,569,344-15,569,346, TGT deleted; deleting any 3 consecutive bases within chr4:15,569,341-15,569,346 gives the same sequence; the position shown is the placement nearest the transcript's 3' end. VCF-style (leftmost placement, unchanged base first): chr4-15569340-ATGT-A. GRCh37 (hg19) VCF-style: chr4-15570963-ATGT-A.
Other names: c.3447TGT[1], p.Val1151del (NM_001080522.2); c.3300TGT[1], p.Val1102del (NM_001378617.1); c.3450_3452delTGT (NM_001080522.2); short protein forms V1151del, V1102del.
Identifiers: ClinVar variation 2083301 (VCV002083301.2), dbSNP rs1453331743, ClinGen allele CA549896475.
Genomic context (GRCh38, chr4:15,569,340, plus strand): 5'-TGCTGTCTTGCAGGGCTCCTAATGGAGATTATAGCACAGCCAGTCTGCAGTCAGTGAAAG[ATGT>A]TGTGTTCATTAACATTTTTGATGAAGTACTGCATGATGTCTTAGAGGTAAGTTCTCAGTT-3'

ClinVar aggregate classification (germline): Uncertain significance. Review status: criteria provided, multiple submitters, no conflicts (2 of 4 stars). 2 submissions from 2 submitters: Uncertain significance (2). Last evaluated 2025-09-09.

Conditions:
CC2D2A-related disorder. Also called: CC2D2A-related condition; CC2D2A-related disorders. Identifiers: MedGen CN239313.
Joubert syndrome. Also called: JOUBERT-BOLTSHAUSER SYNDROME; Familial aplasia of the vermis. Identifiers: Orphanet 475, MedGen C5979921, MONDO:0018772.
Meckel-Gruber syndrome. Also called: DYSENCEPHALIA SPLANCHNOCYSTICA; GRUBER SYNDROME; Dysencephalia splachnocystica. Identifiers: Orphanet 564, MedGen C0265215, MONDO:0018921.

Submissions (2):

PreventionGenetics, part of Exact Sciences
Classification: Uncertain significance for CC2D2A-related condition. Last evaluated: 2025-09-09. Review status: criteria provided, single submitter. Criteria: ACMG Guidelines, 2015. Collection method: clinical testing. Allele origin: germline.
Comment: The CC2D2A c.3450_3452delTGT variant is predicted to result in an in-frame deletion (p.Val1151del). This variant is reported in 0.0011% of alleles in individuals of European (Non-Finnish) descent in gnomAD. At this time, the clinical significance of this variant is uncertain due to the absence of conclusive functional and genetic evidence.

Labcorp Genetics (formerly Invitae), Labcorp
Classification: Uncertain significance for Joubert syndrome; Meckel-Gruber syndrome. Last evaluated: 2021-12-23. Review status: criteria provided, single submitter. Criteria: Invitae Variant Classification Sherloc (09022015). Collection method: clinical testing. Allele origin: germline.
Comment: This variant, c.3450_3452del, results in the deletion of 1 amino acid(s) of the CC2D2A protein (p.Val1151del), but otherwise preserves the integrity of the reading frame. This variant is present in population databases (no rsID available, gnomAD 0.001%). This variant has been observed in individual(s) with Joubert syndrome (PMID: 26477546). In at least one individual the data is consistent with being in trans (on the opposite chromosome) from a pathogenic variant. Experimental studies and prediction algorithms are not available or were not evaluated, and the functional significance of this variant is currently unknown. In summary, the available evidence is currently insufficient to determine the role of this variant in disease. Therefore, it has been classified as a Variant of Uncertain Significance.

Literature cited by the submitters: PubMed 26477546 (cited by Labcorp Genetics (formerly Invitae), Labcorp).